The following is an entry in ClinVar:

ClinVar aggregate classification (germline): Benign. Review status: criteria provided, multiple submitters, no conflicts (2 of 4 stars). 3 submissions from 3 submitters: Benign (3). Last evaluated 2026-02-04.

Conditions:
Hepatic veno-occlusive disease-immunodeficiency syndrome. Also called: Hepatic Veno-Occlusive Disease with Immunodeficiency. Identifiers: Orphanet 79124, MedGen C1856128, MONDO:0009338, OMIM 235550. Disease mechanism: loss of function.

Allele frequency attached by ClinVar (database versions not stated): ExAC 0.02612; gnomAD 0.07450; 1000 Genomes Project 0.08327; ESP Exome Variant Server 0.08396; TOPMed 0.08588; 1000 Genomes Project 30x 0.08745.
gnomAD v4.1: 23,902 of 1,614,088 alleles (1.5%); highest among the groups gnomAD compares: African/African-American, 26%; 2,603 homozygotes.

Submissions (3):

Labcorp Genetics (formerly Invitae), Labcorp
Classification: Benign for Hepatic veno-occlusive disease-immunodeficiency syndrome. Last evaluated: 2026-02-04. Review status: criteria provided, single submitter. Criteria: Invitae Variant Classification Sherloc (09022015). Collection method: clinical testing. Allele origin: germline.

Illumina Laboratory Services, Illumina
Classification: Benign for Hepatic veno-occlusive disease-immunodeficiency syndrome. Last evaluated: 2018-01-12. Review status: criteria provided, single submitter. Criteria: ICSL Variant Classification Criteria 13 December 2019. Collection method: clinical testing. Allele origin: germline.
Comment: This variant was observed in the ICSL laboratory as part of a predisposition screen in an ostensibly healthy population. It had not been previously curated by ICSL or reported in the Human Gene Mutation Database (HGMD: prior to June 1st, 2018), and was therefore a candidate for classification through an automated scoring system. Utilizing variant allele frequency, disease prevalence and penetrance estimates, and inheritance mode, an automated score was calculated to assess if this variant is too frequent to cause the disease. Based on the score and internal cut-off values, a variant classified as benign is not then subjected to further curation. The score for this variant resulted in a classification of benign for this disease.

Breakthrough Genomics
Classification: Benign. Review status: criteria provided, single submitter. Criteria: ACMG Guidelines, 2015. Collection method: not provided. Allele origin: germline. Inheritance: Autosomal recessive inheritance. Affected: yes.

NM_080424.4(SP110):c.1038G>C (p.Ser346=)

Genes: SP110 (SP110 nuclear body protein; minus strand), SP140 (SP140 nuclear body protein; plus strand). Cytogenetic location: 2q37.1.
Variant type: single nucleotide variant.
Coding change: c.1038G>C on transcript NM_080424.4 (MANE Select); coding-DNA position 1038, G replaced by C.
Protein change: p.Ser346=; no amino-acid change (serine 346 retained).
Molecular consequence: synonymous variant. On other transcripts: intron variant (1).
Genome position (GRCh38, 1-based): chr2:230,202,589, C>G on the plus strand (G>C on the coding strand, the complement: SP110 is on the minus strand). VCF-style: chr2-230202589-C-G. GRCh37 (hg19) VCF-style: chr2-231067305-C-G.
Other names: c.1056G>C, p.Ser352= (NM_001185015.2, NM_001378442.1, NM_001378444.1 and 2 more transcripts); c.1038G>C, p.Ser346= (NM_001378443.1, NM_004509.5, NM_004510.4); c.899-1624G>C (NM_001378447.1).
Identifiers: ClinVar variation 334907 (VCV000334907.15), dbSNP rs7606916, ClinGen allele CA2154655.